The following is an entry in ClinVar:

NM_181712.5(KANK4):c.2856del (p.Ala953fs)

Gene: KANK4 (KN motif and ankyrin repeat domains 4; minus strand). Cytogenetic location: 1p31.3.
Variant type: Deletion.
Coding change: c.2856del on transcript NM_181712.5 (MANE Select); coding-DNA position 2856, one base deleted (A; older notation c.2856delA).
Protein change: p.Ala953fs; shifts the reading frame from alanine 953.
Molecular consequence: frameshift variant.
Genome position (GRCh38, 1-based): chr1:62,247,499, T deleted on the plus strand (A on the coding strand, the reverse complement: KANK4 is on the minus strand). VCF-style (leftmost placement, unchanged base first): chr1-62247498-CT-C. GRCh37 (hg19) VCF-style: chr1-62713170-CT-C.
Other names: c.972del, p.Ala325fs (NM_001320269.2); short protein forms A953fs, A325fs.
Identifiers: ClinVar variation 2782065 (VCV002782065.3), dbSNP rs1671495182, ClinGen allele CA1171003450.
Genomic context (GRCh38, chr1:62,247,498, plus strand): 5'-CAACAGCTACTTGTTAATTGCCTGTAAGTCTCACCTTGTCAGTCAGGCTGCTGTCGCAGG[CT>C]GGGTGTGCCAGGAGCAGCCGCACCAGGTCCACGTTGCCATGGTGACAGGCCACCATGAGG-3'

ClinVar aggregate classification (germline): Uncertain significance (1 of 4 stars; one submission).

Submission:

Labcorp Genetics (formerly Invitae), Labcorp
Classification: Uncertain significance. Last evaluated: 2024-01-17. Review status: criteria provided, single submitter. Criteria: Invitae Variant Classification Sherloc (09022015). Collection method: clinical testing. Allele origin: germline.
Comment: This sequence change creates a premature translational stop signal (p.Ala953Profs*6) in the KANK4 gene. While this is not anticipated to result in nonsense mediated decay, it is expected to disrupt the last 43 amino acid(s) of the KANK4 protein. This variant is not present in population databases (gnomAD no frequency). This variant has not been reported in the literature in individuals affected with KANK4-related conditions. In summary, the available evidence is currently insufficient to determine the role of this variant in disease. Therefore, it has been classified as a Variant of Uncertain Significance.